The following is an entry in ClinVar:

NM_003334.4(UBA1):c.1742-58C>T

Gene: UBA1 (ubiquitin like modifier activating enzyme 1; plus strand). Cytogenetic location: Xp11.3.
Variant type: single nucleotide variant.
Coding change: c.1742-58C>T on transcript NM_003334.4 (MANE Select); 58 bases into the intron before coding-DNA position 1742, C replaced by T.
Molecular consequence: intron variant.
Genome position (GRCh38, 1-based): chrX:47,206,190, C>T. VCF-style: chrX-47206190-C-T. GRCh37 (hg19) VCF-style: chrX-47065589-C-T.
Other names: c.1742-58C>T (NM_153280.3).
Identifiers: ClinVar variation 674443 (VCV000674443.2), dbSNP rs5953008, ClinGen allele CA329037428.

ClinVar aggregate classification (germline): Benign. Review status: criteria provided, multiple submitters, no conflicts (2 of 4 stars). 2 submissions from 2 submitters: Benign (2). Last evaluated 2018-06-18.

Allele frequency attached by ClinVar (database versions not stated): gnomAD 0.08203 and 0.08720; TOPMed 0.09377; 1000 Genomes Project 0.09589; 1000 Genomes Project 30x 0.09781.
gnomAD v4.1: 18,299 of 1,176,476 alleles (1.6%); highest among the groups gnomAD compares: African/African-American, 28%; 1,741 homozygotes.

Submissions (2):

GeneDx
Classification: Benign. Last evaluated: 2018-06-18. Review status: criteria provided, single submitter. Criteria: GeneDx Variant Classification (06012015). Collection method: clinical testing. Allele origin: germline. Affected: yes.
Comment: This variant is considered likely benign or benign based on one or more of the following criteria: it is a conservative change, it occurs at a poorly conserved position in the protein, it is predicted to be benign by multiple in silico algorithms, and/or has population frequency not consistent with disease.

Breakthrough Genomics
Classification: Benign. Review status: criteria provided, single submitter. Criteria: ACMG Guidelines, 2015. Collection method: not provided. Allele origin: germline. Inheritance: Other. Affected: yes.